The following is an entry in ClinVar:

ClinVar aggregate classification (germline): Uncertain significance (1 of 4 stars; one submission).

Submission:

CeGaT Center for Human Genetics Tuebingen
Classification: Uncertain significance. Last evaluated: 2025-04-01. Review status: criteria provided, single submitter. Criteria: CeGaT Center For Human Genetics Tuebingen Variant Classification Criteria Version 2. Collection method: clinical testing. Allele origin: germline. Affected: yes. Observed: 1 variant allele.
Comment: AKAP9: PM2, BP4

NM_005751.5(AKAP9):c.4912G>A (p.Ala1638Thr)

Gene: AKAP9 (A-kinase anchoring protein 9; plus strand). Cytogenetic location: 7q21.2.
Variant type: single nucleotide variant.
Coding change: c.4912G>A on transcript NM_005751.5 (MANE Select); coding-DNA position 4912, G replaced by A.
Protein change: p.Ala1638Thr; replaces alanine 1638 with threonine.
Molecular consequence: missense variant.
Genome position (GRCh38, 1-based): chr7:92,040,893, G>A. VCF-style: chr7-92040893-G-A. GRCh37 (hg19) VCF-style: chr7-91670207-G-A.
Other names: c.4912G>A, p.Ala1638Thr (NM_147185.3); short protein forms A1638T.
Identifiers: ClinVar variation 3905271 (VCV003905271.10).